The following is an entry in ClinVar:

NM_002485.5(NBN):c.968G>A (p.Cys323Tyr)

Gene: NBN (nibrin; minus strand). Cytogenetic location: 8q21.3.
Variant type: single nucleotide variant.
Coding change: c.968G>A on transcript NM_002485.5 (MANE Select); coding-DNA position 968, G replaced by A.
Protein change: p.Cys323Tyr; replaces cysteine 323 with tyrosine.
Molecular consequence: missense variant.
Genome position (GRCh38, 1-based): chr8:89,964,436, C>T on the plus strand (G>A on the coding strand, the complement: NBN is on the minus strand). VCF-style: chr8-89964436-C-T. GRCh37 (hg19) VCF-style: chr8-90976664-C-T.
Other names: p.C323Y:TGT>TAT; c.722G>A, p.Cys241Tyr (NM_001024688.3); short protein forms C323Y, C241Y.
Identifiers: ClinVar variation 182718 (VCV000182718.18), dbSNP rs730881848, ClinGen allele CA299608.

ClinVar aggregate classification (germline): Uncertain significance. Review status: criteria provided, multiple submitters, no conflicts (2 of 4 stars). 5 submissions from 5 submitters: Uncertain significance (5). Last evaluated 2025-07-12.

Conditions:
Hereditary cancer-predisposing syndrome. Also called: Tumor predisposition; Hereditary Cancer Syndrome; Hereditary neoplastic syndrome; Neoplastic Syndromes, Hereditary. Identifiers: Orphanet 140162, MedGen C0027672, MeSH D009386, MONDO:0015356.
Microcephaly, normal intelligence and immunodeficiency (NBS). Also called: IMMUNODEFICIENCY, MICROCEPHALY, AND CHROMOSOMAL INSTABILITY; SEEMANOVA SYNDROME II; Nijmegen breakage syndrome; Microcephaly with normal intelligence immunodeficiency and lymphoreticular malignancies; Nonsyndromal microcephaly autosomal recessive with normal intelligence; Seemanova syndrome 2. Identifiers: Orphanet 647, MedGen C0398791, MONDO:0009623, OMIM 251260.

Allele frequency attached by ClinVar (database versions not stated): gnomAD exomes below 0.00001; TOPMed below 0.00001.
gnomAD v4.1: 1 of 1,613,784 alleles (0.000062%); highest among the groups gnomAD compares: African/African-American, 0.0013%; no homozygotes.

Submissions (5):

Ambry Genetics
Classification: Uncertain significance for Hereditary cancer-predisposing syndrome. Last evaluated: 2025-07-12. Review status: criteria provided, single submitter. Criteria: Ambry Variant Classification Scheme 2023. Collection method: clinical testing. Allele origin: germline.
Comment: The p.C323Y variant (also known as c.968G>A), located in coding exon 8 of the NBN gene, results from a G to A substitution at nucleotide position 968. The cysteine at codon 323 is replaced by tyrosine, an amino acid with highly dissimilar properties. This amino acid position is highly conserved in available vertebrate species. In addition, this alteration is predicted to be deleterious by in silico analysis. Since supporting evidence is limited at this time, the clinical significance of this alteration remains unclear.

Labcorp Genetics (formerly Invitae), Labcorp
Classification: Uncertain significance for Microcephaly, normal intelligence and immunodeficiency. Last evaluated: 2023-07-27. Review status: criteria provided, single submitter. Criteria: Invitae Variant Classification Sherloc (09022015). Collection method: clinical testing. Allele origin: germline.
Comment: In summary, the available evidence is currently insufficient to determine the role of this variant in disease. Therefore, it has been classified as a Variant of Uncertain Significance. This sequence change replaces cysteine, which is neutral and slightly polar, with tyrosine, which is neutral and polar, at codon 323 of the NBN protein (p.Cys323Tyr). This variant is not present in population databases (gnomAD no frequency). This variant has not been reported in the literature in individuals affected with NBN-related conditions. ClinVar contains an entry for this variant (Variation ID: 182718). An algorithm developed to predict the effect of missense changes on protein structure and function (PolyPhen-2) suggests that this variant is likely to be disruptive.

Genome-Nilou Lab
Classification: Uncertain significance for Microcephaly, normal intelligence and immunodeficiency. Last evaluated: 2021-11-07. Review status: criteria provided, single submitter. Criteria: ACMG Guidelines, 2015. Collection method: clinical testing. Allele origin: germline. Affected: no.

Quest Diagnostics Nichols Institute San Juan Capistrano
Classification: Uncertain significance. Last evaluated: 2016-09-27. Review status: criteria provided, single submitter. Criteria: Quest Diagnostics criteria. Collection method: clinical testing. Allele origin: germline.

GeneDx
Classification: Uncertain significance. Last evaluated: 2014-05-16. Review status: criteria provided, single submitter. Criteria: GeneDx Variant Classification (06012015). Collection method: clinical testing. Allele origin: germline. Affected: yes.
Comment: This variant is denoted NBN c.968G>A at the cDNA level, p.Cys323Tyr (C323Y) at the protein level, and results in the change of a Cysteine to a Tyrosine (TGT>TAT). This variant has not, to our knowledge, been published in the literature as pathogenic or benign. NBN Cys323Tyr was not observed in approximately 6,500 individuals of European and African American ancestry in the NHLBI Exome Sequencing Project, indicating it is not a common benign variant in these populations. Since Cysteine and Tyrosine differ in polarity, charge, size or other properties, this is considered a non-conservative amino acid substitution. NBN Cys323Tyr occurs at a position that is well conserved across species and is located in the region that interacts with SP100, MTOR, MAPKAP1, and RICTOR. In addition, in silico analyses predict that this variant is probably damaging to protein structure and function. Based on currently available information, it is unclear whether NBN Cys323Tyr is pathogenic or benign. We consider it to be a variant of uncertain significance.